The following is an entry in ClinVar:

ClinVar aggregate classification (germline): Uncertain significance (1 of 4 stars; one submission).

Conditions:
Cohen syndrome (COH1). Also called: PEPPER SYNDROME; Cutis verticis gyrata, retinitis pigmentosa, and sensorineural deafness. Identifiers: Orphanet 193, MedGen C0265223, MONDO:0008999, OMIM 216550.

Allele frequency attached by ClinVar (database versions not stated): gnomAD exomes below 0.00001; TOPMed below 0.00001; gnomAD 0.00001.
gnomAD v4.1: 5 of 1,613,756 alleles (0.00031%); highest among the groups gnomAD compares: East Asian, 0.0067%; no homozygotes.

Submission:

Labcorp Genetics (formerly Invitae), Labcorp
Classification: Uncertain significance for Cohen syndrome. Last evaluated: 2022-02-24. Review status: criteria provided, single submitter. Criteria: Invitae Variant Classification Sherloc (09022015). Collection method: clinical testing. Allele origin: germline.
Comment: This sequence change replaces threonine with alanine at codon 1698 of the VPS13B protein (p.Thr1698Ala). The threonine residue is moderately conserved and there is a small physicochemical difference between threonine and alanine. The frequency data for this variant in the population databases is considered unreliable, as metrics indicate poor data quality at this position in the gnomAD database. This variant has not been reported in the literature in individuals affected with VPS13B-related conditions. Algorithms developed to predict the effect of missense changes on protein structure and function are either unavailable or do not agree on the potential impact of this missense change (SIFT: "Not Available"; PolyPhen-2: "Possibly Damaging"; Align-GVGD: "Not Available"). Algorithms developed to predict the effect of sequence changes on RNA splicing suggest that this variant may create or strengthen a splice site. In summary, the available evidence is currently insufficient to determine the role of this variant in disease. Therefore, it has been classified as a Variant of Uncertain Significance.

NM_152564.5(VPS13B):c.5017A>G (p.Thr1673Ala)

Gene: VPS13B (vacuolar protein sorting 13 homolog B; plus strand). Cytogenetic location: 8q22.2.
Variant type: single nucleotide variant.
Coding change: c.5017A>G on transcript NM_152564.5 (MANE Select); coding-DNA position 5017, A replaced by G.
Protein change: p.Thr1673Ala; replaces threonine 1673 with alanine.
Molecular consequence: missense variant.
Genome position (GRCh38, 1-based): chr8:99,575,725, A>G. VCF-style: chr8-99575725-A-G. GRCh37 (hg19) VCF-style: chr8-100587953-A-G.
Other names: c.5092A>G, p.Thr1698Ala (NM_017890.5); short protein forms T1673A, T1698A.
Identifiers: ClinVar variation 1513446 (VCV001513446.5), dbSNP rs1224933519, ClinGen allele CA371873712.
Genomic context (GRCh38, chr8:99,575,725, plus strand): 5'-CGGCATCAAGAAAGGAGAGCAATTTTGACCCCCGTTTTGACAGATTTTTCTGTCCGAATA[A>G]CTGGAGCACCTGCTGTCATTTTCACCAAAGTAGTTTCTCCAGAAAATTTGCATACTGAGG-3'
Protein context (NP_689777.3, residues 1663-1683): PVLTDFSVRI[Thr1673Ala]GAPAVIFTKV